The following is an entry in ClinVar:

ClinVar aggregate classification (germline): Uncertain significance (1 of 4 stars; one submission).

Submission:

CeGaT Center for Human Genetics Tuebingen
Classification: Uncertain significance. Last evaluated: 2025-08-01. Review status: criteria provided, single submitter. Criteria: CeGaT Center For Human Genetics Tuebingen Variant Classification Criteria Version 2. Collection method: clinical testing. Allele origin: germline. Affected: yes. Observed: 1 variant allele.
Comment: SOX10: PM2

NM_006941.4(SOX10):c.976G>T (p.Val326Leu)

Genes: POLR2F (RNA polymerase II, I and III subunit F; plus strand), SOX10 (SRY-box transcription factor 10; minus strand). Cytogenetic location: 22q13.1.
Variant type: single nucleotide variant.
Coding change: c.976G>T on transcript NM_006941.4 (MANE Select); coding-DNA position 976, G replaced by T.
Protein change: p.Val326Leu; replaces valine 326 with leucine.
Molecular consequence: missense variant. On other transcripts: intron variant (3).
Genome position (GRCh38, 1-based): chr22:37,973,920, C>A on the plus strand (G>T on the coding strand, the complement: SOX10 is on the minus strand). VCF-style: chr22-37973920-C-A. GRCh37 (hg19) VCF-style: chr22-38369927-C-A.
Other names: c.*38+1610C>A (NM_001363825.1); c.293+6750C>A (NM_001301130.2, NM_001301131.2); short protein forms V326L.
Identifiers: ClinVar variation 4085918 (VCV004085918.8).